The following is an entry in ClinVar:

NM_022095.4(ZNF335):c.1118C>T (p.Pro373Leu)

Gene: ZNF335 (zinc finger protein 335; minus strand). Cytogenetic location: 20q13.12.
Variant type: single nucleotide variant.
Coding change: c.1118C>T on transcript NM_022095.4 (MANE Select); coding-DNA position 1118, C replaced by T.
Protein change: p.Pro373Leu; replaces proline 373 with leucine.
Molecular consequence: missense variant.
Genome position (GRCh38, 1-based): chr20:45,963,975, G>A on the plus strand (C>T on the coding strand, the complement: ZNF335 is on the minus strand). VCF-style: chr20-45963975-G-A. GRCh37 (hg19) VCF-style: chr20-44592614-G-A.
Other names: short protein forms P373L.
Identifiers: ClinVar variation 1391507 (VCV001391507.6), dbSNP rs766999681, ClinGen allele CA9885822.

ClinVar aggregate classification (germline): Uncertain significance (1 of 4 stars; one submission).

Allele frequency attached by ClinVar (database versions not stated): ExAC 0.00001; gnomAD exomes 0.00001.

Submission:

Labcorp Genetics (formerly Invitae), Labcorp
Classification: Uncertain significance. Last evaluated: 2023-02-03. Review status: criteria provided, single submitter. Criteria: Invitae Variant Classification Sherloc (09022015). Collection method: clinical testing. Allele origin: germline.
Comment: This sequence change replaces proline, which is neutral and non-polar, with leucine, which is neutral and non-polar, at codon 373 of the ZNF335 protein (p.Pro373Leu). This variant is present in population databases (rs766999681, gnomAD 0.001%). This variant has not been reported in the literature in individuals affected with ZNF335-related conditions. ClinVar contains an entry for this variant (Variation ID: 1391507). Advanced modeling of protein sequence and biophysical properties (such as structural, functional, and spatial information, amino acid conservation, physicochemical variation, residue mobility, and thermodynamic stability) performed at Invitae indicates that this missense variant is not expected to disrupt ZNF335 protein function. In summary, the available evidence is currently insufficient to determine the role of this variant in disease. Therefore, it has been classified as a Variant of Uncertain Significance.